The following is an entry in ClinVar:

ClinVar aggregate classification (germline): Uncertain significance (1 of 4 stars; one submission).

Conditions:
Hypotonia, infantile, with psychomotor retardation and characteristic facies 2 (IHPRF2). Also called: UNC80 Deficiency. Identifiers: Orphanet 371364, Orphanet 700333, MedGen C4225203, MONDO:0014777, OMIM 616801.

Submission:

Baylor Genetics
Classification: Uncertain significance for Hypotonia, infantile, with psychomotor retardation and characteristic facies 2. Last evaluated: 2018-11-18. Review status: criteria provided, single submitter. Criteria: ACMG Guidelines, 2015. Collection method: clinical testing. Allele origin: maternal. Affected: yes.
Comment: This variant was determined to be of uncertain significance according to ACMG Guidelines, 2015 [PMID:25741868].

NM_001371986.1(UNC80):c.2436_2444del (p.Leu813_Gly815del)

Gene: UNC80 (unc-80 subunit of NALCN channel complex; plus strand). Cytogenetic location: 2q34.
Variant type: Deletion.
Coding change: c.2436_2444del on transcript NM_001371986.1 (MANE Select); coding-DNA positions 2436 to 2444, 9 bases deleted (GCTCTCTGG; older notation c.2436_2444delGCTCTCTGG).
Protein change: p.Leu813_Gly815del.
Molecular consequence: inframe deletion.
Genome position (GRCh38, 1-based): chr2:209,826,011-209,826,019, GCTCTCTGG deleted; deleting any 9 consecutive bases within chr2:209,826,009-209,826,019 gives the same sequence; the c. name uses the placement nearest the transcript's 3' end. VCF-style (leftmost placement, unchanged base first): chr2-209826008-AGGGCTCTCT-A. GRCh37 (hg19) VCF-style: chr2-210690732-AGGGCTCTCT-A.
Other names: c.2436_2444del, p.Leu813_Gly815del (NM_032504.2, NM_182587.4).
Identifiers: ClinVar variation 1031502 (VCV001031502.1), dbSNP rs2080491946, ClinGen allele CA1324724328.